The following is an entry in ClinVar:

NM_006302.3(MOGS):c.1829T>A (p.Val610Glu)

Gene: MOGS (mannosyl-oligosaccharide glucosidase; minus strand). Cytogenetic location: 2p13.1.
Variant type: single nucleotide variant.
Coding change: c.1829T>A on transcript NM_006302.3 (MANE Select); coding-DNA position 1829, T replaced by A.
Protein change: p.Val610Glu; replaces valine 610 with glutamic acid.
Molecular consequence: missense variant.
Genome position (GRCh38, 1-based): chr2:74,461,960, A>T on the plus strand (T>A on the coding strand, the complement: MOGS is on the minus strand). VCF-style: chr2-74461960-A-T. GRCh37 (hg19) VCF-style: chr2-74689087-A-T.
Other names: c.1511T>A, p.Val504Glu (NM_001146158.2); short protein forms V610E, V504E.
Identifiers: ClinVar variation 1378032 (VCV001378032.4), dbSNP rs2103977576, ClinGen allele CA347370307.

ClinVar aggregate classification (germline): Uncertain significance (1 of 4 stars; one submission).

Conditions:
MOGS-congenital disorder of glycosylation. Also called: CDG IIb; GLUCOSIDASE I DEFICIENCY; CDG 2B; MOGS-CDG. Identifiers: Orphanet 79330, MedGen C1853736, MONDO:0011629, OMIM 606056.

Submission:

Labcorp Genetics (formerly Invitae), Labcorp
Classification: Uncertain significance for MOGS-congenital disorder of glycosylation. Last evaluated: 2025-02-10. Review status: criteria provided, single submitter. Criteria: Invitae Variant Classification Sherloc (09022015). Collection method: clinical testing. Allele origin: germline.
Comment: This sequence change replaces valine, which is neutral and non-polar, with glutamic acid, which is acidic and polar, at codon 610 of the MOGS protein (p.Val610Glu). This variant is not present in population databases (gnomAD no frequency). This variant has not been reported in the literature in individuals affected with MOGS-related conditions. ClinVar contains an entry for this variant (Variation ID: 1378032). Invitae Evidence Modeling of protein sequence and biophysical properties (such as structural, functional, and spatial information, amino acid conservation, physicochemical variation, residue mobility, and thermodynamic stability) indicates that this missense variant is expected to disrupt MOGS protein function with a positive predictive value of 80%. In summary, the available evidence is currently insufficient to determine the role of this variant in disease. Therefore, it has been classified as a Variant of Uncertain Significance.